The following is an entry in ClinVar:

NM_030957.4(ADAMTS10):c.2288C>G (p.Thr763Ser)

Gene: ADAMTS10 (ADAM metallopeptidase with thrombospondin type 1 motif 10; minus strand). Cytogenetic location: 19p13.2.
Variant type: single nucleotide variant.
Coding change: c.2288C>G on transcript NM_030957.4 (MANE Select); coding-DNA position 2288, C replaced by G.
Protein change: p.Thr763Ser; replaces threonine 763 with serine.
Molecular consequence: missense variant.
Genome position (GRCh38, 1-based): chr19:8,586,673, G>C on the plus strand (C>G on the coding strand, the complement: ADAMTS10 is on the minus strand). VCF-style: chr19-8586673-G-C. GRCh37 (hg19) VCF-style: chr19-8651557-G-C.
Other names: c.749C>G, p.Thr250Ser (NM_001282352.2); c.2288C>G (NM_030957.2); short protein forms T250S, T763S.
Identifiers: ClinVar variation 1302582 (VCV001302582.8), dbSNP rs141673640, ClinGen allele CA9160146.

ClinVar aggregate classification (germline): Uncertain significance. Review status: criteria provided, multiple submitters, no conflicts (2 of 4 stars). 4 submissions from 4 submitters: Uncertain significance (4). Last evaluated 2025-07-02.

Conditions:
Inborn genetic diseases. Identifiers: MedGen C0950123, MeSH D030342.

Allele frequency attached by ClinVar (database versions not stated): gnomAD exomes 0.00022; ExAC 0.00029; 1000 Genomes Project 30x 0.00031; ESP Exome Variant Server 0.00038; 1000 Genomes Project 0.00040.
gnomAD v4.1: 514 of 1,613,202 alleles (0.032%); highest among the groups gnomAD compares: Non-Finnish European, 0.041%; no homozygotes.

Submissions (4):

GeneDx
Classification: Uncertain significance. Last evaluated: 2025-07-02. Review status: criteria provided, single submitter. Criteria: GeneDx Variant Classification Process June 2021. Collection method: clinical testing. Allele origin: germline. Affected: yes.
Comment: In silico analysis suggests that this missense variant does not alter protein structure/function; Has not been previously published as pathogenic or benign to our knowledge

Ambry Genetics
Classification: Uncertain significance for Inborn genetic diseases. Last evaluated: 2025-03-20. Review status: criteria provided, single submitter. Criteria: Ambry Variant Classification Scheme 2023. Collection method: clinical testing. Allele origin: germline.

Labcorp Genetics (formerly Invitae), Labcorp
Classification: Uncertain significance. Last evaluated: 2025-01-22. Review status: criteria provided, single submitter. Criteria: Invitae Variant Classification Sherloc (09022015). Collection method: clinical testing. Allele origin: germline.
Comment: This sequence change replaces threonine, which is neutral and polar, with serine, which is neutral and polar, at codon 763 of the ADAMTS10 protein (p.Thr763Ser). This variant is present in population databases (rs141673640, gnomAD 0.04%). This variant has not been reported in the literature in individuals affected with ADAMTS10-related conditions. ClinVar contains an entry for this variant (Variation ID: 1302582). An algorithm developed to predict the effect of missense changes on protein structure and function (PolyPhen-2) suggests that this variant¬†is likely to be tolerated. In summary, the available evidence is currently insufficient to determine the role of this variant in disease. Therefore, it has been classified as a Variant of Uncertain Significance.

Breakthrough Genomics
Classification: Uncertain significance. Review status: criteria provided, single submitter. Criteria: ACMG Guidelines, 2015. Collection method: not provided. Allele origin: germline. Inheritance: Autosomal recessive inheritance. Affected: yes.